The following is an entry in ClinVar:

NM_001322934.2(NFKB2):c.2422C>G (p.Arg808Gly)

Gene: NFKB2 (nuclear factor kappa B subunit 2; plus strand). Cytogenetic location: 10q24.32.
Variant type: single nucleotide variant.
Coding change: c.2422C>G on transcript NM_001322934.2 (MANE Select); coding-DNA position 2422, C replaced by G.
Protein change: p.Arg808Gly; replaces arginine 808 with glycine.
Molecular consequence: missense variant.
Genome position (GRCh38, 1-based): chr10:102,401,873, C>G. VCF-style: chr10-102401873-C-G. GRCh37 (hg19) VCF-style: chr10-104161630-C-G.
Other names: c.2422C>G, p.Arg808Gly (NM_001077494.3, NM_001261403.3, NM_001288724.1 and 1 more transcripts); c.2296C>G, p.Arg766Gly (NM_001322935.1); short protein forms R766G, R808G.
Identifiers: ClinVar variation 3627291 (VCV003627291.2).

ClinVar aggregate classification (germline): Uncertain significance (1 of 4 stars; one submission).

Conditions:
Immunodeficiency, common variable, 10. Also called: IMMUNODEFICIENCY, COMMON VARIABLE, WITH CENTRAL ADRENAL INSUFFICIENCY; DEFICIT IN ANTERIOR PITUITARY FUNCTION AND VARIABLE IMMUNODEFICIENCY. Identifiers: MedGen C3809991, MONDO:0014260, OMIM 615577.

gnomAD v4.1: 1 of 1,613,752 alleles (0.000062%); highest among the groups gnomAD compares: Non-Finnish European, 0.000085%; no homozygotes.

Submission:

Labcorp Genetics (formerly Invitae), Labcorp
Classification: Uncertain significance for Immunodeficiency, common variable, 10. Last evaluated: 2024-05-18. Review status: criteria provided, single submitter. Criteria: Invitae Variant Classification Sherloc (09022015). Collection method: clinical testing. Allele origin: germline.
Comment: This sequence change replaces arginine, which is basic and polar, with glycine, which is neutral and non-polar, at codon 808 of the NFKB2 protein (p.Arg808Gly). This variant is not present in population databases (gnomAD no frequency). This variant has not been reported in the literature in individuals affected with NFKB2-related conditions. An algorithm developed to predict the effect of missense changes on protein structure and function (PolyPhen-2) suggests that this variant is likely to be disruptive. In summary, the available evidence is currently insufficient to determine the role of this variant in disease. Therefore, it has been classified as a Variant of Uncertain Significance.